The following is an entry in ClinVar:

NM_004333.6(BRAF):c.88G>A (p.Gly30Ser)

Gene: BRAF (B-Raf proto-oncogene, serine/threonine kinase; minus strand). Cytogenetic location: 7q34.
Variant type: single nucleotide variant.
Coding change: c.88G>A on transcript NM_004333.6 (MANE Select); coding-DNA position 88, G replaced by A.
Protein change: p.Gly30Ser; replaces glycine 30 with serine.
Molecular consequence: missense variant.
Genome position (GRCh38, 1-based): chr7:140,924,616, C>T on the plus strand (G>A on the coding strand, the complement: BRAF is on the minus strand). VCF-style: chr7-140924616-C-T. GRCh37 (hg19) VCF-style: chr7-140624416-C-T.
Other names: c.88G>A, p.Gly30Ser (NM_001354609.2, NM_001374244.1, NM_001374258.1 and 7 more transcripts); short protein forms G30S.
Identifiers: ClinVar variation 3020447 (VCV003020447.3), dbSNP rs2129153267, ClinGen allele CA369590123.
Genomic context (GRCh38, chr7:140,924,616, plus strand): 5'-CAGCACTCACCTCCTCCGGAATGGCAGGGTCCGCAGCCGAAGAGGCCGCGGCGCCGGCGC[C>T]GGCGCCGGCCTCGGGCTCCATGTCCCCGTTGAACAGAGCCTGGCCCGGCTCCGCGCCGCC-3'
Protein context (NP_004324.2, residues 20-40): NGDMEPEAGA[Gly30Ser]AGAAASSAAD

ClinVar aggregate classification (germline): Uncertain significance (1 of 4 stars; one submission).

Conditions:
RASopathy. Also called: Noonan spectrum disorder; rasopathies. Identifiers: Orphanet 536391, MedGen C5555857, MONDO:0021060.

Allele frequency attached by ClinVar (database versions not stated): gnomAD exomes below 0.00001.
gnomAD v4.1: 5 of 1,527,310 alleles (0.00033%); highest among the groups gnomAD compares: Non-Finnish European, 0.00044%; no homozygotes.

Submission:

Labcorp Genetics (formerly Invitae), Labcorp
Classification: Uncertain significance for RASopathy. Last evaluated: 2024-01-04. Review status: criteria provided, single submitter. Criteria: Invitae Variant Classification Sherloc (09022015). Collection method: clinical testing. Allele origin: germline.
Comment: This sequence change replaces glycine, which is neutral and non-polar, with serine, which is neutral and polar, at codon 30 of the BRAF protein (p.Gly30Ser). This variant is not present in population databases (gnomAD no frequency). This variant has not been reported in the literature in individuals affected with BRAF-related conditions. Advanced modeling of protein sequence and biophysical properties (such as structural, functional, and spatial information, amino acid conservation, physicochemical variation, residue mobility, and thermodynamic stability) performed at Invitae indicates that this missense variant is not expected to disrupt BRAF protein function with a negative predictive value of 95%. In summary, the available evidence is currently insufficient to determine the role of this variant in disease. Therefore, it has been classified as a Variant of Uncertain Significance.